The following is an entry in ClinVar:

ClinVar aggregate classification (germline): Benign/Likely benign. Review status: criteria provided, multiple submitters, no conflicts (2 of 4 stars). 4 submissions from 4 submitters: Benign (1); Likely benign (2). 1 of the submissions does not count toward it. Last evaluated 2024-12-30.

Conditions:
WASHC5-related disorder. Also called: WASHC5-related condition.
Hereditary spastic paraplegia 8 (SPG8). Also called: SPASTIC PARAPLEGIA 8, AUTOSOMAL DOMINANT. Identifiers: Orphanet 100989, MedGen C1863704, MONDO:0011339, OMIM 603563.
Ritscher-Schinzel syndrome. Also called: CRANIOCEREBELLOCARDIAC DYSPLASIA. Identifiers: Orphanet 7, MedGen C0796137, MONDO:0019078.

Allele frequency attached by ClinVar (database versions not stated): gnomAD exomes 0.00007 and 0.00028; gnomAD 0.00009 and 0.00010; TOPMed 0.00013; ExAC 0.00027.
gnomAD v4.1: 117 of 1,552,818 alleles (0.0075%); highest among the groups gnomAD compares: East Asian, 0.25%; no homozygotes.

Submissions (5):

Mayo Clinic Laboratories, Mayo Clinic
Classification: Likely benign. Last evaluated: 2024-12-30. Review status: criteria provided, single submitter. Criteria: ACMG Guidelines, 2015. Collection method: clinical testing. Allele origin: germline. Observed: 1 variant allele.
Comment: BS1, BP4, BP7

Labcorp Genetics (formerly Invitae), Labcorp
Classification: Benign for Ritscher-Schinzel syndrome; Hereditary spastic paraplegia 8. Last evaluated: 2024-07-30. Review status: criteria provided, single submitter. Criteria: Invitae Variant Classification Sherloc (09022015). Collection method: clinical testing. Allele origin: germline.

GeneDx
Classification: Likely benign. Last evaluated: 2016-08-26. Review status: criteria provided, single submitter. Criteria: GeneDx Variant Classification (06012015). Collection method: clinical testing. Allele origin: germline. Affected: yes.
Comment: This variant is considered likely benign or benign based on one or more of the following criteria: it is a conservative change, it occurs at a poorly conserved position in the protein, it is predicted to be benign by multiple in silico algorithms, and/or has population frequency not consistent with disease.

PreventionGenetics, part of Exact Sciences
Classification: Likely benign for WASHC5-related condition. Last evaluated: 2020-08-04. Review status: no assertion criteria provided. Collection method: clinical testing. Allele origin: germline. Not counted in ClinVar's aggregate classification.
Comment: This variant is classified as likely benign based on ACMG/AMP sequence variant interpretation guidelines (Richards et al. 2015 PMID: 25741868, with internal and published modifications).

Dr. Peter K. Rogan Lab, Western University
No classification provided (evidence only). Condition: Gastric cancer. Review status: no classification provided. Collection method: in vitro. Allele origin: not applicable. Functional consequence: retained intron. Not counted in ClinVar's aggregate classification.

NM_014846.4(WASHC5):c.418-9T>G

Gene: WASHC5 (WASH complex subunit 5; minus strand). Cytogenetic location: 8q24.13.
Variant type: single nucleotide variant.
Coding change: c.418-9T>G on transcript NM_014846.4 (MANE Select); 9 bases into the intron before coding-DNA position 418, T replaced by G.
Molecular consequence: intron variant.
Genome position (GRCh38, 1-based): chr8:125,081,770, A>C on the plus strand (T>G on the coding strand, the complement: WASHC5 is on the minus strand). VCF-style: chr8-125081770-A-C. GRCh37 (hg19) VCF-style: chr8-126094012-A-C.
Other names: p.?; c.-27-9T>G (NM_001330609.2).
Identifiers: ClinVar variation 388840 (VCV000388840.7), dbSNP rs760094704, ClinGen allele CA4874125.